The following is an entry in ClinVar:

ClinVar aggregate classification (germline): Uncertain significance. Review status: criteria provided, multiple submitters, no conflicts (2 of 4 stars). 2 submissions from 2 submitters: Uncertain significance (2). Last evaluated 2024-12-31.

Allele frequency attached by ClinVar (database versions not stated): gnomAD 0.00001; ExAC 0.00004.
gnomAD v4.1: 23 of 1,614,074 alleles (0.0014%); highest among the groups gnomAD compares: East Asian, 0.011%; no homozygotes.

Submissions (2):

Ambry Genetics
Classification: Uncertain significance. Last evaluated: 2024-12-31. Review status: criteria provided, single submitter. Criteria: Ambry Variant Classification Scheme 2023. Collection method: clinical testing. Allele origin: germline.

Labcorp Genetics (formerly Invitae), Labcorp
Classification: Uncertain significance. Last evaluated: 2024-10-24. Review status: criteria provided, single submitter. Criteria: Invitae Variant Classification Sherloc (09022015). Collection method: clinical testing. Allele origin: germline.
Comment: This sequence change replaces proline, which is neutral and non-polar, with glutamine, which is neutral and polar, at codon 822 of the SLCO5A1 protein (p.Pro822Gln). This variant is present in population databases (rs369446842, gnomAD 0.02%). This variant has not been reported in the literature in individuals affected with SLCO5A1-related conditions. ClinVar contains an entry for this variant (Variation ID: 1427619). An algorithm developed to predict the effect of missense changes on protein structure and function (PolyPhen-2) suggests that this variant is likely to be disruptive. In summary, the available evidence is currently insufficient to determine the role of this variant in disease. Therefore, it has been classified as a Variant of Uncertain Significance.

NM_030958.3(SLCO5A1):c.2465C>A (p.Pro822Gln)

Gene: SLCO5A1 (solute carrier organic anion transporter family member 5A1; minus strand). Cytogenetic location: 8q13.3.
Variant type: single nucleotide variant.
Coding change: c.2465C>A on transcript NM_030958.3 (MANE Select); coding-DNA position 2465, C replaced by A.
Protein change: p.Pro822Gln; replaces proline 822 with glutamine.
Molecular consequence: missense variant. On other transcripts: 3 prime UTR variant (1).
Genome position (GRCh38, 1-based): chr8:69,672,951, G>T on the plus strand (C>A on the coding strand, the complement: SLCO5A1 is on the minus strand). VCF-style: chr8-69672951-G-T. GRCh37 (hg19) VCF-style: chr8-70585186-G-T.
Other names: c.*336C>A (NM_001146008.2); c.2300C>A, p.Pro767Gln (NM_001146009.1); c.2465C>A (NM_030958.2); short protein forms P822Q, P767Q.
Identifiers: ClinVar variation 1427619 (VCV001427619.7), dbSNP rs369446842, ClinGen allele CA4776318.
Genomic context (GRCh38, chr8:69,672,951, plus strand): 5'-GCGGGGCTCTCTTCCAGCCCCGGGTCCGCAGAGGAACTTATTGCTTCTGGGAAGGGCCCC[G>T]GGTAGGTCTGTGCTGCGCACTGGATCCCTTTTTGCAGGCCAGTCTCTTCGTGGAATTCTC-3'
Protein context (NP_112220.2, residues 812-832): KGIQCAAQTY[Pro822Gln]GPFPEAISSS